The following is an entry in ClinVar:

ClinVar aggregate classification (germline): Uncertain significance (1 of 4 stars; one submission).

Conditions:
Hereditary cancer-predisposing syndrome. Also called: Hereditary Cancer Syndrome; Neoplastic Syndromes, Hereditary; Tumor predisposition; Hereditary neoplastic syndrome. Identifiers: Orphanet 140162, MedGen C0027672, MeSH D009386, MONDO:0015356.

Submission:

Ambry Genetics
Classification: Uncertain significance for Hereditary cancer-predisposing syndrome. Last evaluated: 2020-12-10. Review status: criteria provided, single submitter. Criteria: Ambry Variant Classification Scheme 2023. Collection method: clinical testing. Allele origin: germline.
Comment: The c.-4G>C variant is located in the 5' untranslated region (5&rsquo; UTR) of the CDK4 gene. This variant results from a G to C substitution 4 bases upstream from the first translated codon. This nucleotide position is well conserved in available vertebrate species. Since supporting evidence is limited at this time, the clinical significance of this alteration remains unclear.

NM_000075.4(CDK4):c.-4G>C

Gene: CDK4 (cyclin dependent kinase 4; minus strand). Cytogenetic location: 12q14.1.
Variant type: single nucleotide variant.
Coding change: c.-4G>C on transcript NM_000075.4 (MANE Select); 4 bases upstream of the start codon, G replaced by C.
Molecular consequence: 5 prime UTR variant.
Genome position (GRCh38, 1-based): chr12:57,751,721, C>G on the plus strand (G>C on the coding strand, the complement: CDK4 is on the minus strand). VCF-style: chr12-57751721-C-G. GRCh37 (hg19) VCF-style: chr12-58145504-C-G.
Identifiers: ClinVar variation 1744711 (VCV001744711.2), dbSNP rs1256176240, ClinGen allele CA2580086664.